The following is an entry in ClinVar:

ClinVar aggregate classification (germline): Uncertain significance (1 of 4 stars; one submission).

gnomAD v4.1: 5 of 1,614,010 alleles (0.00031%); highest among the groups gnomAD compares: Non-Finnish European, 0.00042%; no homozygotes.

Submission:

Labcorp Genetics (formerly Invitae), Labcorp
Classification: Uncertain significance. Last evaluated: 2022-03-11. Review status: criteria provided, single submitter. Criteria: Invitae Variant Classification Sherloc (09022015). Collection method: clinical testing. Allele origin: germline.
Comment: In summary, the available evidence is currently insufficient to determine the role of this variant in disease. Therefore, it has been classified as a Variant of Uncertain Significance. Algorithms developed to predict the effect of missense changes on protein structure and function output the following: SIFT: "Tolerated"; PolyPhen-2: "Probably Damaging"; Align-GVGD: "Class C0". The asparagine amino acid residue is found in multiple mammalian species, which suggests that this missense change does not adversely affect protein function. This variant has not been reported in the literature in individuals affected with HMCN1-related conditions. This variant is not present in population databases (gnomAD no frequency). This sequence change replaces aspartic acid, which is acidic and polar, with asparagine, which is neutral and polar, at codon 4483 of the HMCN1 protein (p.Asp4483Asn).

NM_031935.3(HMCN1):c.13447G>A (p.Asp4483Asn)

Gene: HMCN1 (hemicentin 1; plus strand). Cytogenetic location: 1q31.1.
Variant type: single nucleotide variant.
Coding change: c.13447G>A on transcript NM_031935.3 (MANE Select); coding-DNA position 13447, G replaced by A.
Protein change: p.Asp4483Asn; replaces aspartic acid 4483 with asparagine.
Molecular consequence: missense variant.
Genome position (GRCh38, 1-based): chr1:186,136,802, G>A. VCF-style: chr1-186136802-G-A. GRCh37 (hg19) VCF-style: chr1-186105934-G-A.
Other names: short protein forms D4483N.
Identifiers: ClinVar variation 1957228 (VCV001957228.5), dbSNP rs1649635875, ClinGen allele CA343910822.